The following is an entry in ClinVar:

NM_000235.4(LIPA):c.511del (p.Val171fs)

Gene: LIPA (lipase A, lysosomal acid type; minus strand). Cytogenetic location: 10q23.31.
Variant type: Deletion.
Coding change: c.511del on transcript NM_000235.4 (MANE Select); coding-DNA position 511, one base deleted (G; older notation c.511delG).
Protein change: p.Val171fs; shifts the reading frame from valine 171.
Molecular consequence: frameshift variant.
Genome position (GRCh38, 1-based): chr10:89,226,922, C deleted on the plus strand (G on the coding strand, the reverse complement: LIPA is on the minus strand). VCF-style (leftmost placement, unchanged base first): chr10-89226921-AC-A. GRCh37 (hg19) VCF-style: chr10-90986678-AC-A.
Other names: c.511del, p.Val171fs (NM_001127605.3); c.163del, p.Val55fs (NM_001288979.2); short protein forms V171fs, V55fs.
Identifiers: ClinVar variation 2085713 (VCV002085713.4), dbSNP rs2495590932, ClinGen allele CA2580082268.

ClinVar aggregate classification (germline): Pathogenic (1 of 4 stars; one submission).

Conditions:
Wolman disease (WOLD). Also called: Acid cholesteryl ester hydrolase deficiency, Wolman type; Acid lipase disease; LYSOSOMAL ACID LIPASE DEFICIENCY, ACUTE INFANTILE; LYSOSOMAL ACID LIPASE DEFICIENCY, COMPLETE; LIPA DEFICIENCY, COMPLETE; LAL DEFICIENCY, COMPLETE. Identifiers: Orphanet 75233, MedGen C0043208, MONDO:0019148, OMIM 620151.

Submission:

Labcorp Genetics (formerly Invitae), Labcorp
Classification: Pathogenic for Wolman disease. Last evaluated: 2022-01-16. Review status: criteria provided, single submitter. Criteria: Invitae Variant Classification Sherloc (09022015). Collection method: clinical testing. Allele origin: germline.
Comment: This variant is not present in population databases (gnomAD no frequency). This variant has not been reported in the literature in individuals affected with LIPA-related conditions. For these reasons, this variant has been classified as Pathogenic. This sequence change creates a premature translational stop signal (p.Val171Trpfs*9) in the LIPA gene. It is expected to result in an absent or disrupted protein product. Loss-of-function variants in LIPA are known to be pathogenic (PMID: 23485521).

Literature cited by the submitters: PubMed 23485521.